The following is an entry in ClinVar:

NM_001130987.2(DYSF):c.1541T>C (p.Met514Thr)

Gene: DYSF (dysferlin; plus strand). Cytogenetic location: 2p13.2.
Variant type: single nucleotide variant.
Coding change: c.1541T>C on transcript NM_001130987.2 (MANE Select); coding-DNA position 1541, T replaced by C.
Protein change: p.Met514Thr; replaces methionine 514 with threonine.
Molecular consequence: missense variant.
Genome position (GRCh38, 1-based): chr2:71,539,204, T>C. VCF-style: chr2-71539204-T-C. GRCh37 (hg19) VCF-style: chr2-71766334-T-C.
Other names: c.1448T>C, p.Met483Thr (NM_001130455.2, NM_001130983.2, NM_001130984.2 and 1 more transcripts); c.1445T>C, p.Met482Thr (NM_001130976.2, NM_001130977.2, NM_001130978.2 and 1 more transcripts); c.1538T>C, p.Met513Thr (NM_001130979.2, NM_001130980.2, NM_001130981.2); c.1541T>C, p.Met514Thr (NM_001130982.2, NM_001130985.2); short protein forms M482T, M514T, M483T, M513T.
Identifiers: ClinVar variation 4746690 (VCV004746690.1).
Genomic context (GRCh38, chr2:71,539,204, plus strand): 5'-TCCCTTGCTCTAGGGACCGCCTGACTCACAATGACATCGTGGCTACCACCTACCTGAGTA[T>C]GTCGAAAATCTCTGCCCCTGGAGGAGAAATAGAAGGTATGTTCCCTCTTCGTTCTGCCCT-3'
Protein context (NP_001124459.1, residues 504-524): NDIVATTYLS[Met514Thr]SKISAPGGEI

ClinVar aggregate classification (germline): Uncertain significance (1 of 4 stars; one submission).

Conditions:
Neuromuscular disease caused by qualitative or quantitative defects of dysferlin. Also called: Dysferlinopathy; Qualitative or quantitative defects of dysferlin. Identifiers: Orphanet 207073, MedGen C2931687, MONDO:0016145.

Submission:

Labcorp Genetics (formerly Invitae), Labcorp
Classification: Uncertain significance for Neuromuscular disease caused by qualitative or quantitative defects of dysferlin. Last evaluated: 2025-08-23. Review status: criteria provided, single submitter. Criteria: Invitae Variant Classification Sherloc (09022015). Collection method: clinical testing. Allele origin: germline.
Comment: This sequence change replaces methionine, which is neutral and non-polar, with threonine, which is neutral and polar, at codon 482 of the DYSF protein (p.Met482Thr). This variant is not present in population databases (gnomAD no frequency). This variant has not been reported in the literature in individuals affected with DYSF-related conditions. Invitae Evidence Modeling of protein sequence and biophysical properties (such as structural, functional, and spatial information, amino acid conservation, physicochemical variation, residue mobility, and thermodynamic stability) indicates that this missense variant is not expected to disrupt DYSF protein function with a negative predictive value of 95%. In summary, the available evidence is currently insufficient to determine the role of this variant in disease. Therefore, it has been classified as a Variant of Uncertain Significance.